The following is an entry in ClinVar:

ClinVar aggregate classification (germline): Uncertain significance (1 of 4 stars; one submission).

Submission:

Labcorp Genetics (formerly Invitae), Labcorp
Classification: Uncertain significance. Last evaluated: 2025-12-27. Review status: criteria provided, single submitter. Criteria: Invitae Variant Classification Sherloc (09022015). Collection method: clinical testing. Allele origin: germline.
Comment: This variant, c.1007_1009del, results in the deletion of 1 amino acid(s) of the DUOX2 protein (p.Phe336del), but otherwise preserves the integrity of the reading frame. This variant is present in population databases (no rsID available, gnomAD 0.006%). This variant has been observed in individual(s) with congenital hypothyroidism (PMID: 29650690, 34564849). Algorithms developed to predict the effect of variants on gene product structure and function are not available or were not evaluated for this variant. Experimental studies have shown that this variant affects DUOX2 function (PMID: 34564849). In summary, the available evidence is currently insufficient to determine the role of this variant in disease. Therefore, it has been classified as a Variant of Uncertain Significance.

Literature cited by the submitters: PubMed 29650690; PubMed 34564849.

NM_001363711.2(DUOX2):c.1004TCT[1] (p.Phe336del)

Gene: DUOX2 (dual oxidase 2; minus strand). Cytogenetic location: 15q21.1.
Variant type: Microsatellite.
Coding change: c.1004TCT[1] on transcript NM_001363711.2 (MANE Select); one copy of the 3-base unit TCT starting at c.1004; the reference has two copies in a row; one copy, 3 bases deleted.
Protein change: p.Phe336del; deletes phenylalanine 336.
Molecular consequence: inframe deletion.
Genome position (GRCh38, 1-based): chr15:45,110,459-45,110,461, AGA deleted on the plus strand (TCT on the coding strand, the reverse complement: DUOX2 is on the minus strand); deleting any 3 consecutive bases within chr15:45,110,459-45,110,465 gives the same sequence; the position shown is the placement nearest the transcript's 3' end. VCF-style (leftmost placement, unchanged base first): chr15-45110458-GAGA-G. GRCh37 (hg19) VCF-style: chr15-45402656-GAGA-G.
Other names: c.1004TCT[1], p.Phe336del (NM_014080.5); short protein forms F336del.
Identifiers: ClinVar variation 4737653 (VCV004737653.2).